The following is an entry in ClinVar:

ClinVar aggregate classification (germline): Uncertain significance (1 of 4 stars; one submission).

Conditions:
Hereditary cancer-predisposing syndrome. Also called: Tumor predisposition; Hereditary neoplastic syndrome; Neoplastic Syndromes, Hereditary; Hereditary Cancer Syndrome. Identifiers: Orphanet 140162, MedGen C0027672, MeSH D009386, MONDO:0015356.

Allele frequency attached by ClinVar (database versions not stated): gnomAD exomes 0.00001.
gnomAD v4.1: 19 of 1,613,522 alleles (0.0012%); highest among the groups gnomAD compares: Non-Finnish European, 0.0016%; no homozygotes.

Submission:

Ambry Genetics
Classification: Uncertain significance for Hereditary cancer-predisposing syndrome. Last evaluated: 2019-11-13. Review status: criteria provided, single submitter. Criteria: Ambry Variant Classification Scheme 2023. Collection method: clinical testing. Allele origin: germline.
Comment: The p.L344F variant (also known as c.1030C>T), located in coding exon 9 of the MRE11A gene, results from a C to T substitution at nucleotide position 1030. The leucine at codon 344 is replaced by phenylalanine, an amino acid with highly similar properties. This amino acid position is highly conserved in available vertebrate species. In addition, the in silico prediction for this alteration is inconclusive. Since supporting evidence is limited at this time, the clinical significance of this alteration remains unclear.

NM_005591.4(MRE11):c.1030C>T (p.Leu344Phe)

Gene: MRE11 (MRE11 double strand break repair nuclease; minus strand). Cytogenetic location: 11q21.
Variant type: single nucleotide variant.
Coding change: c.1030C>T on transcript NM_005591.4 (MANE Select); coding-DNA position 1030, C replaced by T.
Protein change: p.Leu344Phe; replaces leucine 344 with phenylalanine.
Molecular consequence: missense variant.
Genome position (GRCh38, 1-based): chr11:94,467,881, G>A on the plus strand (C>T on the coding strand, the complement: MRE11 is on the minus strand). VCF-style: chr11-94467881-G-A. GRCh37 (hg19) VCF-style: chr11-94201047-G-A.
Other names: c.1030C>T, p.Leu344Phe (NM_001330347.2, NM_005590.4); short protein forms L344F.
Identifiers: ClinVar variation 818290 (VCV000818290.4), dbSNP rs1591688448, ClinGen allele CA382373889.